The following is an entry in ClinVar:

ClinVar aggregate classification (germline): Uncertain significance (0 of 4 stars; one submission).

Conditions:
CIC-related disorder. Also called: CIC-related condition.

Submission:

PreventionGenetics, part of Exact Sciences
Classification: Uncertain significance for CIC-related condition. Last evaluated: 2024-08-28. Review status: no assertion criteria provided. Collection method: clinical testing. Allele origin: germline.
Comment: The CIC c.4720C>A variant is predicted to result in the amino acid substitution p.Pro1574Thr. To our knowledge, this variant has not been reported in the literature or in a large population database, indicating this variant is rare. At this time, the clinical significance of this variant is uncertain due to the absence of conclusive functional and genetic evidence.

NM_001386298.1(CIC):c.7447C>A (p.Pro2483Thr)

Gene: CIC (capicua transcriptional repressor; plus strand). Cytogenetic location: 19q13.2.
Variant type: single nucleotide variant.
Coding change: c.7447C>A on transcript NM_001386298.1 (MANE Select); coding-DNA position 7447, C replaced by A.
Protein change: p.Pro2483Thr; replaces proline 2483 with threonine.
Molecular consequence: missense variant.
Genome position (GRCh38, 1-based): chr19:42,295,084, C>A. VCF-style: chr19-42295084-C-A. GRCh37 (hg19) VCF-style: chr19-42799236-C-A.
Other names: c.7447C>A, p.Pro2483Thr (NM_001304815.2); c.7444C>A, p.Pro2482Thr (NM_001379480.1, NM_001379482.1); c.4714C>A, p.Pro1572Thr (NM_001379484.1); c.4711C>A, p.Pro1571Thr (NM_001379485.1); c.4720C>A, p.Pro1574Thr (NM_015125.5); short protein forms P1571T, P1572T, P1574T, P2482T, P2483T.
Identifiers: ClinVar variation 3357142 (VCV003357142.1).